The following is an entry in ClinVar:

ClinVar aggregate classification (germline): Likely benign (0 of 4 stars; one submission).

Conditions:
VEGFC-related disorder. Also called: VEGFC-related condition.

Allele frequency attached by ClinVar (database versions not stated): gnomAD exomes below 0.00001; gnomAD 0.00001; TOPMed 0.00003; ESP Exome Variant Server 0.00008.
gnomAD v4.1: 3 of 1,613,802 alleles (0.00019%); highest among the groups gnomAD compares: African/African-American, 0.0027%; no homozygotes.

Submission:

PreventionGenetics, part of Exact Sciences
Classification: Likely benign for VEGFC-related condition. Last evaluated: 2019-07-30. Review status: no assertion criteria provided. Collection method: clinical testing. Allele origin: germline.
Comment: This variant is classified as likely benign based on ACMG/AMP sequence variant interpretation guidelines (Richards et al. 2015 PMID: 25741868, with internal and published modifications).

NM_005429.5(VEGFC):c.495C>T (p.Cys165=)

Gene: VEGFC (vascular endothelial growth factor C; minus strand). Cytogenetic location: 4q34.3.
Variant type: single nucleotide variant.
Coding change: c.495C>T on transcript NM_005429.5 (MANE Select); coding-DNA position 495, C replaced by T.
Protein change: p.Cys165=; no amino-acid change (cysteine 165 retained).
Molecular consequence: synonymous variant.
Genome position (GRCh38, 1-based): chr4:176,727,835, G>A on the plus strand (C>T on the coding strand, the complement: VEGFC is on the minus strand). VCF-style: chr4-176727835-G-A. GRCh37 (hg19) VCF-style: chr4-177648989-G-A.
Identifiers: ClinVar variation 3034798 (VCV003034798.2), dbSNP rs375274193, ClinGen allele CA111354143.
Genomic context (GRCh38, chr4:176,727,835, plus strand): 5'-CACCGTCTTGCTGAGGTAGCTCGTGCTGGTGTTCATGCACTGCAGCCCCTCACTATTGCA[G>A]CAACCCCCACATCTGTAGACGGACACACATGGAGGTTTAAAGAAGGTGTTTGTCGCGACT-3'
Protein context (NP_005420.1, residues 155-175): PCVSVYRCGG[Cys165=]CNSEGLQCMN